The following is an entry in ClinVar:

NC_000013.10:g.(?_32913817)_(32921389_?)del

Gene: BRCA2 (BRCA2 DNA repair associated; plus strand). Cytogenetic location: 13q13.1.
Variant type: Deletion.
Identifiers: ClinVar variation 3244182 (VCV003244182.1).

ClinVar aggregate classification (germline): Likely pathogenic (1 of 4 stars; one submission).

Conditions:
Hereditary breast ovarian cancer syndrome. Also called: Hereditary breast and ovarian cancer syndrome; Hereditary breast and ovarian cancer; Hereditary breast and ovarian cancer syndrome (HBOC); Breast and ovarian cancer; Hereditary breast and/or ovarian cancer syndrome; BRCA1- and BRCA2-Associated Hereditary Breast and Ovarian Cancer. Identifiers: Orphanet 145, MedGen C0677776, MeSH D061325, MONDO:0003582. Disease mechanism: loss of function.

Submission:

Labcorp Genetics (formerly Invitae), Labcorp
Classification: Likely pathogenic for Hereditary breast ovarian cancer syndrome. Last evaluated: 2019-05-16. Review status: criteria provided, single submitter. Criteria: Invitae Variant Classification Sherloc (09022015). Collection method: clinical testing. Allele origin: unknown.
Comment: In summary, the currently available evidence indicates that the variant is pathogenic, but additional data are needed to prove that conclusively. Therefore, this variant has been classified as Likely Pathogenic. Loss-of-function variants in BRCA2 are known to be pathogenic (PMID: 20104584). This variant has not been reported in the literature in individuals with BRCA2-related conditions. This variant is a deletion of the genomic region encompassing 12-13 and part of exon 11 (c.5325_7007+356del) of the BRCA2 gene. It is expected to disrupt RNA splicing and likely results in an absent or disrupted protein product.

Literature cited by the submitters: PubMed 20104584.